The following is an entry in ClinVar:

ClinVar aggregate classification (germline): Pathogenic (3 of 4 stars; one submission).

Conditions:
Glanzmann thrombasthenia. Also called: BLEEDING DISORDER, PLATELET-TYPE, 2; THROMBASTHENIA OF GLANZMANN AND NAEGELI; PLATELET GLYCOPROTEIN IIb-IIIa DEFICIENCY; Glanzmann's thrombasthenia; Thrombasthenia. Identifiers: Orphanet 849, MedGen C0040015, MONDO:0100326.

Allele frequency attached by ClinVar (database versions not stated): gnomAD exomes below 0.00001; ExAC 0.00001.

Submission:

ClinGen Platelet Disorders Variant Curation Expert Panel, ClinGen
Classification: Pathogenic for Glanzmann thrombasthenia. Last evaluated: 2020-09-04. Review status: reviewed by expert panel. Criteria: ClinGen Platelet ACMG Specifications v2. Collection method: curation. Allele origin: germline. Inheritance: Autosomal recessive inheritance.
Comment: The ITGB3 c.224del (p.Cys75Leufs) frameshift variant has been reported homozygous in at least 2 GT probands (PMIDs: 25728920, 12083483). It is predicted to undergo NMD due to creation of a premature stop codon in exon 3. The overall allele frequency in gnomAD is extremely low at 0.000003977, with a MAF of 0.000008795 in the non-Finnish European population. In summary, this variant meets criteria to be classified as Pathogenic for GT. GT-specific criteria applied: PVS1,PM2_supporting, PM3, and PP4_strong.

Literature cited by the submitters: PubMed 12083483; PubMed 25728920.

NM_000212.3(ITGB3):c.224del (p.Cys75fs)

Gene: ITGB3 (integrin subunit beta 3; plus strand). Cytogenetic location: 17q21.32.
Variant type: Deletion.
Coding change: c.224del on transcript NM_000212.3 (MANE Select); coding-DNA position 224, one base deleted (G; older notation c.224delG).
Protein change: p.Cys75fs; shifts the reading frame from cysteine 75.
Molecular consequence: frameshift variant.
Genome position (GRCh38, 1-based): chr17:47,283,412, G deleted. VCF-style (leftmost placement, unchanged base first): chr17-47283411-TG-T. GRCh37 (hg19) VCF-style: chr17-45360777-TG-T.
Other names: short protein forms C75fs.
Identifiers: ClinVar variation 953063 (VCV000953063.3), dbSNP rs753932639, ClinGen allele CA8622899.
Genomic context (GRCh38, chr17:47,283,411, plus strand): 5'-CAGGCCCTGCCTCTGGGCTCACCTCGCTGTGACCTGAAGGAGAATCTGCTGAAGGATAAC[TG>T]TGCCCCAGAATCCATCGAGTTCCCAGTGAGTGAGGCCCGAGTACTAGAGGACAGGCCCCT-3'